The following is an entry in ClinVar:

NM_004260.4(RECQL4):c.1620G>C (p.Gln540His)

Gene: RECQL4 (RecQ like helicase 4; minus strand). Cytogenetic location: 8q24.3.
Variant type: single nucleotide variant.
Coding change: c.1620G>C on transcript NM_004260.4 (MANE Select); coding-DNA position 1620, G replaced by C.
Protein change: p.Gln540His; replaces glutamine 540 with histidine.
Molecular consequence: missense variant.
Genome position (GRCh38, 1-based): chr8:144,514,936, C>G on the plus strand (G>C on the coding strand, the complement: RECQL4 is on the minus strand). VCF-style: chr8-144514936-C-G. GRCh37 (hg19) VCF-style: chr8-145740320-C-G.
Other names: short protein forms Q540H.
Identifiers: ClinVar variation 1012121 (VCV001012121.5), dbSNP rs1827929982, ClinGen allele CA372683376.
Genomic context (GRCh38, chr8:144,514,936, plus strand): 5'-TGGGAGTCACAAGTGCTGGTTCTTGGCTGTGTACGTGTGCCCAGGGCCCTGTGTGCACAC[C>G]TGGTCATCCATGAGTGACAGCAGGGGAGAGACGACCAACGTGAGGCAGGGGCTGCGCCGG-3'
Protein context (NP_004251.4, residues 530-550): VSPLLSLMDD[Gln540His]VSGLPPCLKA

ClinVar aggregate classification (germline): Uncertain significance (1 of 4 stars; one submission).

Conditions:
Baller-Gerold syndrome (BGS). Also called: CRANIOSYNOSTOSIS WITH RADIAL DEFECTS. Identifiers: Orphanet 1225, MedGen C0265308, MONDO:0009039, OMIM 218600.

Submission:

Labcorp Genetics (formerly Invitae), Labcorp
Classification: Uncertain significance for Baller-Gerold syndrome. Last evaluated: 2023-09-27. Review status: criteria provided, single submitter. Criteria: Invitae Variant Classification Sherloc (09022015). Collection method: clinical testing. Allele origin: germline.
Comment: This sequence change replaces glutamine, which is neutral and polar, with histidine, which is basic and polar, at codon 540 of the RECQL4 protein (p.Gln540His). This variant also falls at the last nucleotide of exon 9, which is part of the consensus splice site for this exon. This variant is not present in population databases (gnomAD no frequency). This variant has not been reported in the literature in individuals affected with RECQL4-related conditions. ClinVar contains an entry for this variant (Variation ID: 1012121). Experimental studies and prediction algorithms are not available or were not evaluated, and the functional significance of this variant is currently unknown. Variants that disrupt the consensus splice site are a relatively common cause of aberrant splicing (PMID: 17576681, 9536098). Algorithms developed to predict the effect of sequence changes on RNA splicing suggest that this variant may disrupt the consensus splice site. In summary, the available evidence is currently insufficient to determine the role of this variant in disease. Therefore, it has been classified as a Variant of Uncertain Significance.

Literature cited by the submitters: PubMed 17576681; PubMed 9536098.